The following is an entry in ClinVar:

NM_013339.4(ALG6):c.1032T>C (p.His344=)

Gene: ALG6 (ALG6 alpha-1,3-glucosyltransferase; plus strand). Cytogenetic location: 1p31.3.
Variant type: single nucleotide variant.
Coding change: c.1032T>C on transcript NM_013339.4 (MANE Select); coding-DNA position 1032, T replaced by C.
Protein change: p.His344=; no amino-acid change (histidine 344 retained).
Molecular consequence: synonymous variant.
Genome position (GRCh38, 1-based): chr1:63,419,414, T>C. VCF-style: chr1-63419414-T-C. GRCh37 (hg19) VCF-style: chr1-63885085-T-C.
Other names: p.His344=.
Identifiers: ClinVar variation 990163 (VCV000990163.11), dbSNP rs146265933, ClinGen allele CA888349.

ClinVar aggregate classification (germline): Likely benign. Review status: criteria provided, multiple submitters, no conflicts (2 of 4 stars). 3 submissions from 3 submitters: Likely benign (2). 1 of the submissions does not count toward it. Last evaluated 2026-01-28.

Conditions:
ALG6-congenital disorder of glycosylation 1C (CDG1C). Also called: CARBOHYDRATE-DEFICIENT GLYCOPROTEIN SYNDROME, TYPE I, WITH DEFICIENT GLYCOSYLATION OF DOLICHOL-LINKED OLIGOSACCHARIDE; CARBOHYDRATE-DEFICIENT GLYCOPROTEIN SYNDROME, TYPE V; Congenital disorder of glycosylation type 1C; Congenital disorder of glycosylation, type Ic; CDG Ic. Identifiers: Orphanet 79320, MedGen C2930997, MONDO:0011291, OMIM 603147.

Allele frequency attached by ClinVar (database versions not stated): gnomAD exomes 0.00004; ExAC 0.00007; TOPMed 0.00009; gnomAD 0.00010 and 0.00011; 1000 Genomes Project 30x 0.00016; 1000 Genomes Project 0.00020; ESP Exome Variant Server 0.00031.
gnomAD v4.1: 29 of 1,609,568 alleles (0.0018%); highest among the groups gnomAD compares: African/African-American, 0.037%; no homozygotes.

Submissions (3):

Labcorp Genetics (formerly Invitae), Labcorp
Classification: Likely benign for ALG6-congenital disorder of glycosylation 1C. Last evaluated: 2026-01-28. Review status: criteria provided, single submitter. Criteria: Invitae Variant Classification Sherloc (09022015). Collection method: clinical testing. Allele origin: germline.

Mayo Clinic Laboratories, Mayo Clinic
Classification: Likely benign. Last evaluated: 2025-03-24. Review status: criteria provided, single submitter. Criteria: ACMG Guidelines, 2015. Collection method: clinical testing. Allele origin: germline. Observed: 1 variant allele.
Comment: BP4, BP7

Natera, Inc.
Classification: Likely benign for Congenital disorder of glycosylation type 1c. Last evaluated: 2020-09-10. Review status: no assertion criteria provided. Collection method: clinical testing. Allele origin: germline. Not counted in ClinVar's aggregate classification.